The following is an entry in ClinVar:

NM_001182.5(ALDH7A1):c.774-6T>A

Gene: ALDH7A1 (aldehyde dehydrogenase 7 family member A1; minus strand). Cytogenetic location: 5q23.2.
Variant type: single nucleotide variant.
Coding change: c.774-6T>A on transcript NM_001182.5 (MANE Select); 6 bases into the intron before coding-DNA position 774, T replaced by A.
Molecular consequence: intron variant.
Genome position (GRCh38, 1-based): chr5:126,568,362, A>T on the plus strand (T>A on the coding strand, the complement: ALDH7A1 is on the minus strand). VCF-style: chr5-126568362-A-T. GRCh37 (hg19) VCF-style: chr5-125904054-A-T.
Other names: c.774-6T>A (NM_001202404.2); c.690-6T>A (NM_001201377.2).
Identifiers: ClinVar variation 1307868 (VCV001307868.2), dbSNP rs1750662333, ClinGen allele CA2573052406.
Genomic context (GRCh38, chr5:126,568,362, plus strand): 5'-AGTGCTCCCAGTGAAGGACAGCAGGTTCACTCGTTCATCTTTGGCCATTGCTGTGCTGCA[A>T]GGGAACAGACACGGTCGGCCACCCAAGCAGAGAAACCCAGCAATTACAACATCTAATGGT-3'

ClinVar aggregate classification (germline): Uncertain significance (1 of 4 stars; one submission).

Allele frequency attached by ClinVar (database versions not stated): gnomAD exomes below 0.00001.
gnomAD v4.1: 4 of 1,613,764 alleles (0.00025%); highest among the groups gnomAD compares: Non-Finnish European, 0.00034%; no homozygotes.

Submission:

GeneDx
Classification: Uncertain significance. Last evaluated: 2019-08-16. Review status: criteria provided, single submitter. Criteria: GeneDx Variant Classification Process June 2021. Collection method: clinical testing. Allele origin: germline. Affected: yes.
Comment: Not observed in large population cohorts (Lek et al., 2016); Has not been previously published as pathogenic or benign to our knowledge; In silico analysis, which includes splice predictors and evolutionary conservation, suggests this variant may impact gene splicing. In the absence of RNA/functional studies, the actual effect of this sequence change is unknown.